The following is an entry in ClinVar:

ClinVar aggregate classification (germline): Pathogenic/Likely pathogenic. Review status: criteria provided, multiple submitters, no conflicts (2 of 4 stars). 6 submissions from 6 submitters: Pathogenic (1); Likely pathogenic (5). Last evaluated 2026-09-01.

Conditions:
Inborn genetic diseases. Identifiers: MedGen C0950123, MeSH D030342.
Possible mitochondrial disorder - nuclear genes.
Progressive sclerosing poliodystrophy (MTDPS4A). Also called: ALPERS PROGRESSIVE INFANTILE POLIODYSTROPHY; Mitochondrial DNA depletion syndrome 4A (Alpers type); Alpers Syndrome; NEURONAL DEGENERATION OF CHILDHOOD WITH LIVER DISEASE, PROGRESSIVE; ALPERS DIFFUSE DEGENERATION OF CEREBRAL GRAY MATTER WITH HEPATIC CIRRHOSIS; Alpers-Huttenlocher Syndrome. Identifiers: Orphanet 726, MedGen C0205710, MONDO:0008758, OMIM 203700.

Allele frequency attached by ClinVar (database versions not stated): gnomAD 0.00001 and 0.00002; TOPMed 0.00002.
gnomAD v4.1: 21 of 1,613,860 alleles (0.0013%); highest among the groups gnomAD compares: Non-Finnish European, 0.0016%; no homozygotes.

Submissions (6):

Genetics Laboratory, Great Ormond Street Hospital NHS Foundation Trust, North Thames Genomic Laboratory Hub
Classification: Likely pathogenic for Possible mitochondrial disorder - nuclear genes. Last evaluated: 2026-09-01. Review status: criteria provided, single submitter. Criteria: ACGS Best Practice Guidelines for Variant Classification in Rare Disease 2024 v1.2. Collection method: clinical testing. Allele origin: germline. Affected: yes.
Comment: PM2_moderate, PP3_supporting, PM3_strong, PP4_moderate

GeneDx
Classification: Likely pathogenic. Last evaluated: 2025-11-29. Review status: criteria provided, single submitter. Criteria: GeneDx Variant Classification Process June 2021. Collection method: clinical testing. Allele origin: germline. Affected: yes.
Comment: Not observed at significant frequency in large population cohorts (gnomAD); In silico analysis supports that this missense variant has a deleterious effect on protein structure/function; This variant is associated with the following publications: (PMID: 21880868, 32943091)

Labcorp Genetics (formerly Invitae), Labcorp
Classification: Pathogenic for Progressive sclerosing poliodystrophy. Last evaluated: 2025-08-01. Review status: criteria provided, single submitter. Criteria: Invitae Variant Classification Sherloc (09022015). Collection method: clinical testing. Allele origin: germline.
Comment: This sequence change replaces serine, which is neutral and polar, with arginine, which is basic and polar, at codon 933 of the POLG protein (p.Ser933Arg). This variant is present in population databases (rs765916932, gnomAD 0.0009%). This missense change has been observed in individual(s) with clinical features of autosomal recessive POLG-related conditions (PMID: 21880868; internal data). In at least one individual the data is consistent with being in trans (on the opposite chromosome) from a pathogenic variant. ClinVar contains an entry for this variant (Variation ID: 431950). Invitae Evidence Modeling of protein sequence and biophysical properties (such as structural, functional, and spatial information, amino acid conservation, physicochemical variation, residue mobility, and thermodynamic stability) indicates that this missense variant is expected to disrupt POLG protein function with a positive predictive value of 95%. For these reasons, this variant has been classified as Pathogenic.

Ambry Genetics
Classification: Likely pathogenic for Inborn genetic diseases. Last evaluated: 2025-07-16. Review status: criteria provided, single submitter. Criteria: Ambry Variant Classification Scheme 2023. Collection method: clinical testing. Allele origin: germline.
Comment: The c.2799T>G (p.S933R) alteration is located in exon 18 (coding exon 17) of the POLG gene. This alteration results from a T to G substitution at nucleotide position 2799, causing the serine (S) at amino acid position 933 to be replaced by an arginine (R). for autosomal recessive POLG-related mitochondrial disorders; however, its clinical significance for autosomal dominant POLG-related progressive external ophthalmoplegia is uncertain. Based on data from gnomAD, the G allele has an overall frequency of <0.001% (1/250848) total alleles studied. The highest observed frequency was 0.001% (1/113482) of European (non-Finnish) alleles. Variants at this amino acid position have been identified in conjunction with other POLG variants in individuals with features consistent with POLG-related mitochondrial disorders (Tang, 2011; Lujan, 2020). This amino acid position is highly conserved in available vertebrate species. This alteration is predicted to be deleterious by in silico analysis. Based on the available evidence, this alteration is classified as likely pathogenic.

Baylor Genetics
Classification: Likely pathogenic for Progressive sclerosing poliodystrophy. Last evaluated: 2024-03-16. Review status: criteria provided, single submitter. Criteria: ACMG Guidelines, 2015. Collection method: clinical testing. Allele origin: unknown.

Wong Mito Lab, Molecular and Human Genetics, Baylor College of Medicine
Classification: Likely pathogenic for Progressive sclerosing poliodystrophy. Last evaluated: 2018-10-01. Review status: criteria provided, single submitter. Criteria: ACMG Guidelines, 2015. Collection method: clinical testing. Allele origin: germline.
Comment: The NM_002693.2:c.2799T>G (NP_002684.1:p.Ser933Arg) [GRCH38: NC_000015.10:g.89320948A>C] variant in POLG gene is interpretated to be a Likely Pathogenic based on ACMG guidelines (PMID: 25741868). This variant meets the following evidence codes reported in the ACMG-guideline. PM1:This variant is in mutational hot spot or a well-studied functional domain without benign variation. PM2:This variant is absent in key population databases. PM3:Detected in trans with a pathogenic variant for Mitochondrial DNA depletion syndrome 4A (Alpers type) which is a recessive disorder. PP1:This variant is co-segregated with Mitochondrial DNA depletion syndrome 4A (Alpers type) in multiple affected family members. PP2:This is a missense variant in POLG with a low rate of benign and high rate of pathogenic missense variations. PP3:Computational evidence/predictors indicate the variant has deleterious effect on POLG structure, function, or protein-protein interaction. PP4:Patient's phenotype or family history is highly specific for POLG. Based on the evidence criteria codes applied, the variant is suggested to be Likely Pathogenic.

Literature cited by the submitters: PubMed 21880868 (cited by Labcorp Genetics (formerly Invitae), Labcorp and Ambry Genetics); PubMed 32943091 (cited by Ambry Genetics).

NM_002693.3(POLG):c.2799T>G (p.Ser933Arg)

Gene: POLG (DNA polymerase gamma, catalytic subunit; minus strand). Cytogenetic location: 15q26.1.
Variant type: single nucleotide variant.
Coding change: c.2799T>G on transcript NM_002693.3 (MANE Select); coding-DNA position 2799, T replaced by G.
Protein change: p.Ser933Arg; replaces serine 933 with arginine.
Molecular consequence: missense variant.
Genome position (GRCh38, 1-based): chr15:89,320,948, A>C on the plus strand (T>G on the coding strand, the complement: POLG is on the minus strand). VCF-style: chr15-89320948-A-C. GRCh37 (hg19) VCF-style: chr15-89864179-A-C.
Other names: c.2799T>G, p.Ser933Arg (NM_001126131.2); short protein forms S933R.
Identifiers: ClinVar variation 431950 (VCV000431950.19), dbSNP rs765916932, ClinGen allele CA7724346.